The following is an entry in ClinVar:

NM_000057.4(BLM):c.1894C>T (p.Gln632Ter)

Gene: BLM (BLM RecQ like helicase; plus strand). Cytogenetic location: 15q26.1.
Variant type: single nucleotide variant.
Coding change: c.1894C>T on transcript NM_000057.4 (MANE Select); coding-DNA position 1894, C replaced by T.
Protein change: p.Gln632Ter; replaces glutamine 632 with a stop codon.
Molecular consequence: nonsense.
Genome position (GRCh38, 1-based): chr15:90,762,977, C>T. VCF-style: chr15-90762977-C-T. GRCh37 (hg19) VCF-style: chr15-91306207-C-T.
Other names: c.1894C>T, p.Gln632Ter (NM_001287246.2, NM_001287247.2); c.769C>T, p.Gln257Ter (NM_001287248.2); short protein forms Q632*, Q257*.
Identifiers: ClinVar variation 2034184 (VCV002034184.5), dbSNP rs746857727, ClinGen allele CA274739423.

ClinVar aggregate classification (germline): Pathogenic/Likely pathogenic. Review status: criteria provided, multiple submitters, no conflicts (2 of 4 stars). 2 submissions from 2 submitters: Pathogenic (1); Likely pathogenic (1). Last evaluated 2025-03-17.

Conditions:
Bloom syndrome (BLM). Also called: Bloom-Torre-Machacek syndrome. Identifiers: Orphanet 125, MedGen C0005859, MONDO:0008876, OMIM 210900.

Submissions (2):

Labcorp Genetics (formerly Invitae), Labcorp
Classification: Pathogenic for Bloom syndrome. Last evaluated: 2025-03-17. Review status: criteria provided, single submitter. Criteria: Invitae Variant Classification Sherloc (09022015). Collection method: clinical testing. Allele origin: germline.
Comment: This sequence change creates a premature translational stop signal (p.Gln632*) in the BLM gene. It is expected to result in an absent or disrupted protein product. Loss-of-function variants in BLM are known to be pathogenic (PMID: 17407155). This variant is not present in population databases (gnomAD no frequency). This variant has not been reported in the literature in individuals affected with BLM-related conditions. ClinVar contains an entry for this variant (Variation ID: 2034184). Algorithms developed to predict the effect of sequence changes on RNA splicing suggest that this variant may disrupt the consensus splice site. For these reasons, this variant has been classified as Pathogenic.

Baylor Genetics
Classification: Likely pathogenic for Bloom syndrome. Last evaluated: 2024-02-08. Review status: criteria provided, single submitter. Criteria: ACMG Guidelines, 2015. Collection method: clinical testing. Allele origin: unknown.

Literature cited by the submitters: PubMed 17407155 (cited by Labcorp Genetics (formerly Invitae), Labcorp).